The following is an entry in ClinVar:

NM_025137.4(SPG11):c.7187A>G (p.Glu2396Gly)

Gene: SPG11 (SPG11 vesicle trafficking associated, spatacsin; minus strand). Cytogenetic location: 15q21.1.
Variant type: single nucleotide variant.
Coding change: c.7187A>G on transcript NM_025137.4 (MANE Select); coding-DNA position 7187, A replaced by G.
Protein change: p.Glu2396Gly; replaces glutamic acid 2396 with glycine.
Molecular consequence: missense variant.
Genome position (GRCh38, 1-based): chr15:44,563,266, T>C on the plus strand (A>G on the coding strand, the complement: SPG11 is on the minus strand). VCF-style: chr15-44563266-T-C. GRCh37 (hg19) VCF-style: chr15-44855464-T-C.
Other names: c.6848A>G, p.Glu2283Gly (NM_001160227.2); c.7043A>G, p.Glu2348Gly (NM_001411132.1); short protein forms E2283G, E2348G, E2396G.
Identifiers: ClinVar variation 1757566 (VCV001757566.2), dbSNP rs2140908205, ClinGen allele CA392211645.

ClinVar aggregate classification (germline): Uncertain significance (1 of 4 stars; one submission).

Conditions:
Inborn genetic diseases. Identifiers: MedGen C0950123, MeSH D030342.

Submission:

Ambry Genetics
Classification: Uncertain significance for Inborn genetic diseases. Last evaluated: 2019-11-20. Review status: criteria provided, single submitter. Criteria: Ambry Variant Classification Scheme 2023. Collection method: clinical testing. Allele origin: germline.
Comment: The p.E2396G variant (also known as c.7187A>G), located in coding exon 40 of the SPG11 gene, results from an A to G substitution at nucleotide position 7187. The glutamic acid at codon 2396 is replaced by glycine, an amino acid with similar properties. This amino acid position is poorly conserved in available vertebrate species. In addition, this alteration is predicted to be tolerated by in silico analysis. Since supporting evidence is limited at this time, the clinical significance of this alteration remains unclear.